The following is an entry in ClinVar:

ClinVar aggregate classification (germline): Uncertain significance. Review status: criteria provided, multiple submitters, no conflicts (2 of 4 stars). 3 submissions from 3 submitters: Uncertain significance (3). Last evaluated 2023-06-01.

Conditions:
Geroderma osteodysplastica (GO). Also called: WALT DISNEY DWARFISM; Geroderma osteodysplasticum. Identifiers: Orphanet 2078, MedGen C0432255, MONDO:0009271, OMIM 231070.

Allele frequency attached by ClinVar (database versions not stated): gnomAD exomes below 0.00001 and 0.00001; gnomAD 0.00001; ExAC 0.00002.

Submissions (3):

CeGaT Center for Human Genetics Tuebingen
Classification: Uncertain significance. Last evaluated: 2023-06-01. Review status: criteria provided, single submitter. Criteria: CeGaT Center For Human Genetics Tuebingen Variant Classification Criteria Version 2. Collection method: clinical testing. Allele origin: germline. Affected: yes. Observed: 3 variant alleles.
Comment: GORAB: PM2, BP1

Genome-Nilou Lab
Classification: Uncertain significance for Geroderma osteodysplastica. Last evaluated: 2023-04-11. Review status: criteria provided, single submitter. Criteria: ACMG Guidelines, 2015. Collection method: clinical testing. Allele origin: germline. Affected: no.

Labcorp Genetics (formerly Invitae), Labcorp
Classification: Uncertain significance. Last evaluated: 2021-12-19. Review status: criteria provided, single submitter. Criteria: Invitae Variant Classification Sherloc (09022015). Collection method: clinical testing. Allele origin: germline.
Comment: This sequence change replaces glutamic acid, which is acidic and polar, with lysine, which is basic and polar, at codon 294 of the GORAB protein (p.Glu294Lys). This variant is present in population databases (rs765224001, gnomAD 0.002%). This variant has not been reported in the literature in individuals affected with GORAB-related conditions. Algorithms developed to predict the effect of missense changes on protein structure and function (SIFT, PolyPhen-2, Align-GVGD) all suggest that this variant is likely to be disruptive. In summary, the available evidence is currently insufficient to determine the role of this variant in disease. Therefore, it has been classified as a Variant of Uncertain Significance.

NM_152281.3(GORAB):c.805G>A (p.Glu269Lys)

Gene: GORAB (golgin, RAB6 interacting; plus strand). Cytogenetic location: 1q24.2.
Variant type: single nucleotide variant.
Coding change: c.805G>A on transcript NM_152281.3 (MANE Select); coding-DNA position 805, G replaced by A.
Protein change: p.Glu269Lys; replaces glutamic acid 269 with lysine.
Molecular consequence: missense variant. On other transcripts: non-coding transcript variant (1).
Genome position (GRCh38, 1-based): chr1:170,552,157, G>A. VCF-style: chr1-170552157-G-A. GRCh37 (hg19) VCF-style: chr1-170521298-G-A.
Other names: c.340G>A, p.Glu114Lys (NM_001320252.2); short protein forms E114K, E269K.
Identifiers: ClinVar variation 1701115 (VCV001701115.35), dbSNP rs765224001, ClinGen allele CA1239246.